The following is an entry in ClinVar:

ClinVar aggregate classification (germline): Uncertain significance (1 of 4 stars; one submission).

Submission:

GeneDx
Classification: Uncertain significance. Last evaluated: 2024-04-08. Review status: criteria provided, single submitter. Criteria: GeneDx Variant Classification Process June 2021. Collection method: clinical testing. Allele origin: germline. Affected: yes.
Comment: Not observed at significant frequency in large population cohorts (gnomAD); In silico analysis supports that this missense variant has a deleterious effect on protein structure/function; Has not been previously published as pathogenic or benign to our knowledge

NM_002816.5(PSMD12):c.749T>G (p.Ile250Arg)

Gene: PSMD12 (proteasome 26S subunit, non-ATPase 12; minus strand). Cytogenetic location: 17q24.2.
Variant type: single nucleotide variant.
Coding change: c.749T>G on transcript NM_002816.5 (MANE Select); coding-DNA position 749, T replaced by G.
Protein change: p.Ile250Arg; replaces isoleucine 250 with arginine.
Molecular consequence: missense variant.
Genome position (GRCh38, 1-based): chr17:67,347,162, A>C on the plus strand (T>G on the coding strand, the complement: PSMD12 is on the minus strand). VCF-style: chr17-67347162-A-C. GRCh37 (hg19) VCF-style: chr17-65343278-A-C.
Other names: c.572T>G, p.Ile191Arg (NM_001316341.2); c.689T>G, p.Ile230Arg (NM_174871.4); short protein forms I191R, I230R, I250R.
Identifiers: ClinVar variation 3372255 (VCV003372255.1).